The following is an entry in ClinVar:

NM_006648.4(WNK2):c.6530G>C (p.Arg2177Pro)

Gene: WNK2 (WNK lysine deficient protein kinase 2; plus strand). Cytogenetic location: 9q22.31.
Variant type: single nucleotide variant.
Coding change: c.6530G>C on transcript NM_006648.4 (MANE Select); coding-DNA position 6530, G replaced by C.
Protein change: p.Arg2177Pro; replaces arginine 2177 with proline.
Molecular consequence: missense variant.
Genome position (GRCh38, 1-based): chr9:93,317,533, G>C. VCF-style: chr9-93317533-G-C. GRCh37 (hg19) VCF-style: chr9-96079815-G-C.
Other names: c.6641G>C, p.Arg2214Pro (NM_001282394.3); short protein forms R2214P, R2177P.
Identifiers: ClinVar variation 3981663 (VCV003981663.1).
Genomic context (GRCh38, chr9:93,317,533, plus strand): 5'-GATTGCAGCCACGTGTACCTTCCTCTTCTCGTCTCTGTGTTTTGTAGATGACCGCACCTC[G>C]AGCAGGAGTGGGGATGCCACGTCTGCCCCCAGCGCCCGGCCCTCTGTCCACCACGGTCAT-3'
Protein context (NP_006639.3, residues 2167-2187): PGEARAMTAP[Arg2177Pro]AGVGMPRLPP

ClinVar aggregate classification (germline): Uncertain significance (1 of 4 stars; one submission).

gnomAD v4.1: 2 of 1,613,702 alleles (0.00012%); highest among the groups gnomAD compares: Non-Finnish European, 0.000085%; no homozygotes.

Submission:

Ambry Genetics
Classification: Uncertain significance. Last evaluated: 2025-03-18. Review status: criteria provided, single submitter. Criteria: Ambry Variant Classification Scheme 2023. Collection method: clinical testing. Allele origin: germline.
Comment: The p.R2177P variant (also known as c.6530G>C), located in coding exon 28 of the WNK2 gene, results from a G to C substitution at nucleotide position 6530. The arginine at codon 2177 is replaced by proline, an amino acid with dissimilar properties. This amino acid position is conserved. In addition, the in silico prediction for this alteration is inconclusive. Based on the available evidence, the clinical significance of this variant remains unclear.